The following is an entry in ClinVar:

NM_006343.3(MERTK):c.1516T>G (p.Phe506Val)

Gene: MERTK (MER proto-oncogene, tyrosine kinase; plus strand). Cytogenetic location: 2q13.
Variant type: single nucleotide variant.
Coding change: c.1516T>G on transcript NM_006343.3 (MANE Select); coding-DNA position 1516, T replaced by G.
Protein change: p.Phe506Val; replaces phenylalanine 506 with valine.
Molecular consequence: missense variant.
Genome position (GRCh38, 1-based): chr2:111,997,388, T>G. VCF-style: chr2-111997388-T-G. GRCh37 (hg19) VCF-style: chr2-112754965-T-G.
Other names: short protein forms F506V.
Identifiers: ClinVar variation 1954179 (VCV001954179.5), dbSNP rs770513563, ClinGen allele CA1831452.
Genomic context (GRCh38, chr2:111,997,388, plus strand): 5'-GTAGATTATGCCCCCTCTTCAACTCCGGCGCCTGGCAACGCAGATCCTGTGCTCATCATC[T>G]TTGGCTGCTTTTGTGGATTTATTTTGATTGGGTTGATTTTATACATCTCCTTGGCCATCA-3'
Protein context (NP_006334.2, residues 496-516): PGNADPVLII[Phe506Val]GCFCGFILIG

ClinVar aggregate classification (germline): Uncertain significance (1 of 4 stars; one submission).

Allele frequency attached by ClinVar (database versions not stated): gnomAD exomes below 0.00001; ExAC 0.00001; gnomAD 0.00002; TOPMed 0.00003.
gnomAD v4.1: 9 of 1,614,066 alleles (0.00056%); highest among the groups gnomAD compares: African/African-American, 0.0093%; no homozygotes.

Submission:

Labcorp Genetics (formerly Invitae), Labcorp
Classification: Uncertain significance. Last evaluated: 2022-03-04. Review status: criteria provided, single submitter. Criteria: Invitae Variant Classification Sherloc (09022015). Collection method: clinical testing. Allele origin: germline.
Comment: This sequence change replaces phenylalanine, which is neutral and non-polar, with valine, which is neutral and non-polar, at codon 506 of the MERTK protein (p.Phe506Val). This variant is present in population databases (rs770513563, gnomAD 0.01%). This variant has not been reported in the literature in individuals affected with MERTK-related conditions. Algorithms developed to predict the effect of missense changes on protein structure and function (SIFT, PolyPhen-2, Align-GVGD) all suggest that this variant is likely to be tolerated. In summary, the available evidence is currently insufficient to determine the role of this variant in disease. Therefore, it has been classified as a Variant of Uncertain Significance.